The following is an entry in ClinVar:

ClinVar aggregate classification (germline): Uncertain significance (1 of 4 stars; one submission).

Conditions:
Epidermolysis bullosa simplex 3, localized or generalized intermediate, with BP230 deficiency (EBS3). Also called: Epidermolysis bullosa simplex due to BP230 deficiency; Epidermolysis bullosa simplex, autosomal recessive 2. Identifiers: Orphanet 412181, MedGen C3809470, MONDO:0014180, OMIM 615425.
Hereditary sensory and autonomic neuropathy type 6. Also called: Neuropathy, hereditary sensory and autonomic, type VI; HSAN VI. Identifiers: Orphanet 314381, MedGen C3539003, MONDO:0013839, OMIM 614653.

Allele frequency attached by ClinVar (database versions not stated): TOPMed below 0.00001; ExAC 0.00001; gnomAD exomes 0.00001.
gnomAD v4.1: 7 of 1,614,022 alleles (0.00043%); highest among the groups gnomAD compares: Admixed American, 0.0017%; no homozygotes.

Submission:

Labcorp Genetics (formerly Invitae), Labcorp
Classification: Uncertain significance for Epidermolysis bullosa simplex 3, localized or generalized intermediate, with BP230 deficiency; Hereditary sensory and autonomic neuropathy type 6. Last evaluated: 2021-10-17. Review status: criteria provided, single submitter. Criteria: Invitae Variant Classification Sherloc (09022015). Collection method: clinical testing. Allele origin: germline.
Comment: This sequence change replaces methionine with theonine at codon 4962 of the DST protein (p.Met4962Thr). The DST gene has multiple clinically relevant transcripts. This variant occurs in alternate transcript NM_015548.4, and corresponds to NM_001723.5:c.*151819T>C in the primary transcript. This variant is present in population databases (rs755415384, ExAC 0.001%). This variant has not been reported in the literature in individuals affected with DST-related conditions. Experimental studies and prediction algorithms are not available or were not evaluated, and the functional significance of this variant is currently unknown. In summary, the available evidence is currently insufficient to determine the role of this variant in disease. Therefore, it has been classified as a Variant of Uncertain Significance.

NM_001374736.1(DST):c.22826T>C (p.Met7609Thr)

Gene: DST (dystonin; minus strand). Cytogenetic location: 6p12.1.
Variant type: single nucleotide variant.
Coding change: c.22826T>C on transcript NM_001374736.1 (MANE Select); coding-DNA position 22826, T replaced by C.
Protein change: p.Met7609Thr; replaces methionine 7609 with threonine.
Molecular consequence: missense variant.
Genome position (GRCh38, 1-based): chr6:56,463,698, A>G on the plus strand (T>C on the coding strand, the complement: DST is on the minus strand). VCF-style: chr6-56463698-A-G. GRCh37 (hg19) VCF-style: chr6-56328496-A-G.
Other names: c.16397T>C, p.Met5466Thr (NM_001144769.5); c.15983T>C, p.Met5328Thr (NM_001144770.2); c.22754T>C, p.Met7585Thr (NM_001374722.1); c.21866T>C, p.Met7289Thr (NM_001374729.1); c.15863T>C, p.Met5288Thr (NM_183380.4); c.15608T>C, p.Met5203Thr (NM_001374730.1); c.22781T>C, p.Met7594Thr (NM_001374734.1); c.15845T>C, p.Met5282Thr (NM_001386100.1); and 1 more; short protein forms M5203T, M5328T, M5466T, M7585T, M4962T, M5282T, M5288T, M7289T.
Identifiers: ClinVar variation 1422988 (VCV001422988.3), dbSNP rs755415384, ClinGen allele CA3866133.